The following is an entry in ClinVar:

NM_000553.6(WRN):c.3959T>A (p.Ile1320Asn)

Gene: WRN (WRN RecQ like helicase; plus strand). Cytogenetic location: 8p12.
Variant type: single nucleotide variant.
Coding change: c.3959T>A on transcript NM_000553.6 (MANE Select); coding-DNA position 3959, T replaced by A.
Protein change: p.Ile1320Asn; replaces isoleucine 1320 with asparagine.
Molecular consequence: missense variant.
Genome position (GRCh38, 1-based): chr8:31,157,507, T>A. VCF-style: chr8-31157507-T-A. GRCh37 (hg19) VCF-style: chr8-31015023-T-A.
Other names: short protein forms I1320N.
Identifiers: ClinVar variation 2003690 (VCV002003690.4), dbSNP rs2536062016, ClinGen allele CA370929644.

ClinVar aggregate classification (germline): Uncertain significance (1 of 4 stars; one submission).

Conditions:
Werner syndrome (WRN). Identifiers: Orphanet 902, MedGen C0043119, MONDO:0010196, OMIM 277700.

Allele frequency attached by ClinVar (database versions not stated): gnomAD exomes below 0.00001.
gnomAD v4.1: 1 of 1,614,140 alleles (0.000062%); highest among the groups gnomAD compares: South Asian, 0.0011%; no homozygotes.

Submission:

Labcorp Genetics (formerly Invitae), Labcorp
Classification: Uncertain significance for Werner syndrome. Last evaluated: 2022-06-08. Review status: criteria provided, single submitter. Criteria: Invitae Variant Classification Sherloc (09022015). Collection method: clinical testing. Allele origin: germline.
Comment: In summary, the available evidence is currently insufficient to determine the role of this variant in disease. Therefore, it has been classified as a Variant of Uncertain Significance. Algorithms developed to predict the effect of missense changes on protein structure and function are either unavailable or do not agree on the potential impact of this missense change (SIFT: "Not Available"; PolyPhen-2: "Probably Damaging"; Align-GVGD: "Not Available"). This variant has not been reported in the literature in individuals affected with WRN-related conditions. This variant is not present in population databases (gnomAD no frequency). This sequence change replaces isoleucine, which is neutral and non-polar, with asparagine, which is neutral and polar, at codon 1320 of the WRN protein (p.Ile1320Asn).